The following is an entry in ClinVar:

ClinVar aggregate classification (germline): Uncertain significance (1 of 4 stars; one submission).

Conditions:
Emery-Dreifuss muscular dystrophy 4, autosomal dominant (EDMD4). Also called: EMERY-DREIFUSS MUSCULAR DYSTROPHY 4 WITH VARIABLE FEATURES. Identifiers: Orphanet 261, MedGen C2751807, MONDO:0013071, OMIM 612998.
Autosomal recessive ataxia, Beauce type. Also called: Spinocerebellar ataxia, autosomal recessive 8; ATAXIA, RECESSIVE, OF BEAUCE; SYNE1 Deficiency; SYNE1-Related Autosomal Recessive Cerebellar Ataxia. Identifiers: Orphanet 88644, MedGen C1853116, MONDO:0012549, OMIM 610743.

Allele frequency attached by ClinVar (database versions not stated): gnomAD exomes below 0.00001; ExAC 0.00001; gnomAD 0.00003 and 0.00004; TOPMed 0.00004.
gnomAD v4.1: 6 of 1,613,906 alleles (0.00037%); highest among the groups gnomAD compares: African/African-American, 0.008%; no homozygotes.

Submission:

Labcorp Genetics (formerly Invitae), Labcorp
Classification: Uncertain significance for Emery-Dreifuss muscular dystrophy 4, autosomal dominant; Autosomal recessive ataxia, Beauce type. Last evaluated: 2023-08-17. Review status: criteria provided, single submitter. Criteria: Invitae Variant Classification Sherloc (09022015). Collection method: clinical testing. Allele origin: germline.
Comment: ClinVar contains an entry for this variant (Variation ID: 1525777). In summary, the available evidence is currently insufficient to determine the role of this variant in disease. Therefore, it has been classified as a Variant of Uncertain Significance. An algorithm developed to predict the effect of missense changes on protein structure and function (PolyPhen-2) suggests that this variant is likely to be tolerated. This variant has not been reported in the literature in individuals affected with SYNE1-related conditions. This variant is present in population databases (rs777155965, gnomAD 0.008%). This sequence change replaces glutamine, which is neutral and polar, with histidine, which is basic and polar, at codon 7012 of the SYNE1 protein (p.Gln7012His).

NM_182961.4(SYNE1):c.21249G>T (p.Gln7083His)

Gene: SYNE1 (spectrin repeat containing nuclear envelope protein 1; minus strand). Cytogenetic location: 6q25.2.
Variant type: single nucleotide variant.
Coding change: c.21249G>T on transcript NM_182961.4 (MANE Select); coding-DNA position 21249, G replaced by T.
Protein change: p.Gln7083His; replaces glutamine 7083 with histidine.
Molecular consequence: missense variant.
Genome position (GRCh38, 1-based): chr6:152,225,823, C>A on the plus strand (G>T on the coding strand, the complement: SYNE1 is on the minus strand). VCF-style: chr6-152225823-C-A. GRCh37 (hg19) VCF-style: chr6-152546958-C-A.
Other names: c.21036G>T, p.Gln7012His (NM_033071.5); short protein forms Q7012H, Q7083H.
Identifiers: ClinVar variation 1525777 (VCV001525777.6), dbSNP rs777155965, ClinGen allele CA4054208.